The following is an entry in ClinVar:

NM_181426.2(CCDC39):c.1133A>G (p.Glu378Gly)

Gene: CCDC39 (coiled-coil domain 39 molecular ruler complex subunit; minus strand). Cytogenetic location: 3q26.33.
Variant type: single nucleotide variant.
Coding change: c.1133A>G on transcript NM_181426.2 (MANE Select); coding-DNA position 1133, A replaced by G.
Protein change: p.Glu378Gly; replaces glutamic acid 378 with glycine.
Molecular consequence: missense variant.
Genome position (GRCh38, 1-based): chr3:180,651,435, T>C on the plus strand (A>G on the coding strand, the complement: CCDC39 is on the minus strand). VCF-style: chr3-180651435-T-C. GRCh37 (hg19) VCF-style: chr3-180369223-T-C.
Other names: short protein forms E378G.
Identifiers: ClinVar variation 858325 (VCV000858325.7), dbSNP rs1718205726, ClinGen allele CA355298679.

ClinVar aggregate classification (germline): Uncertain significance (1 of 4 stars; one submission).

Conditions:
Primary ciliary dyskinesia. Also called: Ciliary dyskinesia. Identifiers: Orphanet 244, MedGen C0008780, MONDO:0016575, HP:0012265.

Submission:

Labcorp Genetics (formerly Invitae), Labcorp
Classification: Uncertain significance for Primary ciliary dyskinesia. Last evaluated: 2021-08-27. Review status: criteria provided, single submitter. Criteria: Invitae Variant Classification Sherloc (09022015). Collection method: clinical testing. Allele origin: germline.
Comment: This sequence change replaces glutamic acid with glycine at codon 378 of the CCDC39 protein (p.Glu378Gly). The glutamic acid residue is moderately conserved and there is a moderate physicochemical difference between glutamic acid and glycine. This variant is not present in population databases (ExAC no frequency). This variant has not been reported in the literature in individuals affected with CCDC39-related conditions. Algorithms developed to predict the effect of missense changes on protein structure and function are either unavailable or do not agree on the potential impact of this missense change (SIFT: "Deleterious"; PolyPhen-2: "Probably Damaging"; Align-GVGD: "Class C0"). In summary, the available evidence is currently insufficient to determine the role of this variant in disease. Therefore, it has been classified as a Variant of Uncertain Significance.